The following is an entry in ClinVar:

ClinVar aggregate classification (germline): Likely benign (1 of 4 stars; one submission).

Conditions:
TGFBI-related disorder. Also called: TGFBI-related condition.

gnomAD v4.1: 5 of 1,610,794 alleles (0.00031%); highest among the groups gnomAD compares: Admixed American, 0.0033%; no homozygotes.

Submission:

PreventionGenetics, part of Exact Sciences
Classification: Likely benign for TGFBI-related condition. Last evaluated: 2026-09-09. Review status: criteria provided, single submitter. Criteria: ACMG Guidelines, 2015. Collection method: clinical testing. Allele origin: germline.
Comment: This variant is classified as likely benign based on ACMG/AMP sequence variant interpretation guidelines (Richards et al. 2015 PMID: 25741868, with internal and published modifications).

NM_000358.3(TGFBI):c.1264+10G>T

Genes: TGFBI (transforming growth factor beta induced; plus strand), LOC126807519 (P300/CBP strongly-dependent group 1 enhancer GRCh37_chr5:135388921-135390120; plus strand). Cytogenetic location: 5q31.1.
Variant type: single nucleotide variant.
Coding change: c.1264+10G>T on transcript NM_000358.3 (MANE Select); 10 bases into the intron after coding-DNA position 1264, G replaced by T.
Molecular consequence: intron variant.
Genome position (GRCh38, 1-based): chr5:136,054,090, G>T. VCF-style: chr5-136054090-G-T. GRCh37 (hg19) VCF-style: chr5-135389779-G-T.
Identifiers: ClinVar variation 4984991 (VCV004984991.1).